The following is an entry in ClinVar:

NM_004006.3(DMD):c.3432+3A>G

Gene: DMD (dystrophin; minus strand). Cytogenetic location: Xp21.1.
Variant type: single nucleotide variant.
Coding change: c.3432+3A>G on transcript NM_004006.3 (MANE Select); 3 bases into the intron after coding-DNA position 3432, A replaced by G.
Molecular consequence: intron variant.
Genome position (GRCh38, 1-based): chrX:32,463,436, T>C on the plus strand (A>G on the coding strand, the complement: DMD is on the minus strand). VCF-style: chrX-32463436-T-C. GRCh37 (hg19) VCF-style: chrX-32481553-T-C.
Other names: c.3408+3A>G (NM_000109.4); c.3420+3A>G (NM_004009.3); c.3063+3A>G (NM_004010.3).
Identifiers: ClinVar variation 94592 (VCV000094592.12), dbSNP rs398123938, ClinGen allele CA267001.

ClinVar aggregate classification (germline): Pathogenic/Likely pathogenic. Review status: criteria provided, multiple submitters, no conflicts (2 of 4 stars). 3 submissions from 3 submitters: Pathogenic (2); Likely pathogenic (1). Last evaluated 2025-03-18.

Conditions:
Duchenne muscular dystrophy (DMD). Also called: Duchenne Muscular Dystrophy (DMD); MUSCULAR DYSTROPHY, PSEUDOHYPERTROPHIC PROGRESSIVE, DUCHENNE TYPE. Identifiers: Orphanet 98896, MedGen C0013264, MONDO:0010679, OMIM 310200.

Submissions (3):

Labcorp Genetics (formerly Invitae), Labcorp
Classification: Pathogenic for Duchenne muscular dystrophy. Last evaluated: 2025-03-18. Review status: criteria provided, single submitter. Criteria: Invitae Variant Classification Sherloc (09022015). Collection method: clinical testing. Allele origin: germline.
Comment: This sequence change falls in intron 25 of the DMD gene. It does not directly change the encoded amino acid sequence of the DMD protein. RNA analysis indicates that this variant induces altered splicing and likely results in a shortened protein product. This variant is not present in population databases (gnomAD no frequency). This variant has been observed in individual(s) with Becker muscular dystrophy (PMID: 18348289; internal data). ClinVar contains an entry for this variant (Variation ID: 94592). Variants that disrupt the consensus splice site are a relatively common cause of aberrant splicing (PMID: 17576681, 9536098). Studies have shown that this variant results in skipping of exon 25, but is expected to preserve the integrity of the reading-frame (PMID: 18348289). Other variant(s) that result in skipping of exon 25 have been determined to be pathogenic (PMID: 19001018, 19783145). This suggests that this variant may also be clinically significant and likely to be disease-causing. For these reasons, this variant has been classified as Pathogenic.

Revvity Omics, Revvity
Classification: Likely pathogenic. Last evaluated: 2022-01-27. Review status: criteria provided, single submitter. Criteria: ACMG Guidelines, 2015. Collection method: clinical testing. Allele origin: germline.

Eurofins Ntd Llc (ga)
Classification: Pathogenic. Last evaluated: 2017-03-02. Review status: criteria provided, single submitter. Criteria: EGL Classification Definitions 2015. Collection method: clinical testing. Allele origin: germline. Observed: 1 variant allele, 1 heterozygote.

Literature cited by the submitters: PubMed 18348289 (cited by Labcorp Genetics (formerly Invitae), Labcorp); PubMed 17576681 (cited by Labcorp Genetics (formerly Invitae), Labcorp); PubMed 9536098 (cited by Labcorp Genetics (formerly Invitae), Labcorp); PubMed 19001018 (cited by Labcorp Genetics (formerly Invitae), Labcorp); PubMed 19783145 (cited by Labcorp Genetics (formerly Invitae), Labcorp).